The following is an entry in ClinVar:

NM_001369.3(DNAH5):c.12004T>A (p.Ser4002Thr)

Gene: DNAH5 (dynein axonemal heavy chain 5; minus strand). Cytogenetic location: 5p15.2.
Variant type: single nucleotide variant.
Coding change: c.12004T>A on transcript NM_001369.3 (MANE Select); coding-DNA position 12004, T replaced by A.
Protein change: p.Ser4002Thr; replaces serine 4002 with threonine.
Molecular consequence: missense variant.
Genome position (GRCh38, 1-based): chr5:13,727,536, A>T on the plus strand (T>A on the coding strand, the complement: DNAH5 is on the minus strand). VCF-style: chr5-13727536-A-T. GRCh37 (hg19) VCF-style: chr5-13727645-A-T.
Other names: short protein forms S4002T.
Identifiers: ClinVar variation 2143901 (VCV002143901.4), dbSNP rs2546541666, ClinGen allele CA359217826.

ClinVar aggregate classification (germline): Uncertain significance (1 of 4 stars; one submission).

Conditions:
Primary ciliary dyskinesia. Also called: Ciliary dyskinesia. Identifiers: Orphanet 244, MedGen C0008780, MONDO:0016575, HP:0012265.

Submission:

Labcorp Genetics (formerly Invitae), Labcorp
Classification: Uncertain significance for Primary ciliary dyskinesia. Last evaluated: 2022-03-11. Review status: criteria provided, single submitter. Criteria: Invitae Variant Classification Sherloc (09022015). Collection method: clinical testing. Allele origin: germline.
Comment: This sequence change replaces serine, which is neutral and polar, with threonine, which is neutral and polar, at codon 4002 of the DNAH5 protein (p.Ser4002Thr). This variant is not present in population databases (gnomAD no frequency). This variant has not been reported in the literature in individuals affected with DNAH5-related conditions. Advanced modeling of protein sequence and biophysical properties (such as structural, functional, and spatial information, amino acid conservation, physicochemical variation, residue mobility, and thermodynamic stability) performed at Invitae indicates that this missense variant is not expected to disrupt DNAH5 protein function. In summary, the available evidence is currently insufficient to determine the role of this variant in disease. Therefore, it has been classified as a Variant of Uncertain Significance.